The following is an entry in ClinVar:

NM_003872.3(NRP2):c.1631A>G (p.Gln544Arg)

Gene: NRP2 (neuropilin 2; plus strand). Cytogenetic location: 2q33.3.
Variant type: single nucleotide variant.
Coding change: c.1631A>G on transcript NM_003872.3 (MANE Select); coding-DNA position 1631, A replaced by G.
Protein change: p.Gln544Arg; replaces glutamine 544 with arginine.
Molecular consequence: missense variant.
Genome position (GRCh38, 1-based): chr2:205,743,542, A>G. VCF-style: chr2-205743542-A-G. GRCh37 (hg19) VCF-style: chr2-206608266-A-G.
Other names: c.1631A>G, p.Gln544Arg (NM_018534.4, NM_201264.2, NM_201266.2 and 2 more transcripts); short protein forms Q544R.
Identifiers: ClinVar variation 3355084 (VCV003355084.2).

ClinVar aggregate classification (germline): Uncertain significance (1 of 4 stars; one submission).

Conditions:
NRP2-related disorder. Also called: NRP2-related condition.

gnomAD v4.1: 5 of 1,614,112 alleles (0.00031%); highest among the groups gnomAD compares: Admixed American, 0.0067%; no homozygotes.

Submission:

PreventionGenetics, part of Exact Sciences
Classification: Uncertain significance for NRP2-related condition. Last evaluated: 2026-02-05. Review status: criteria provided, single submitter. Criteria: ACMG Guidelines, 2015. Collection method: clinical testing. Allele origin: germline.
Comment: The NRP2 c.1631A>G variant is predicted to result in the amino acid substitution p.Gln544Arg. To our knowledge, this variant has not been reported in the literature. This variant is reported in 0.0058% of alleles in individuals of Latino descent in gnomAD. At this time, the clinical significance of this variant is uncertain due to the absence of conclusive functional and genetic evidence.